The following is an entry in ClinVar:

NM_001042492.3(NF1):c.6683del (p.Gln2228fs)

Gene: NF1 (neurofibromin 1; plus strand). Cytogenetic location: 17q11.2.
Variant type: Deletion.
Coding change: c.6683del on transcript NM_001042492.3 (MANE Select); coding-DNA position 6683, one base deleted (A; older notation c.6683delA).
Protein change: p.Gln2228fs; shifts the reading frame from glutamine 2228.
Molecular consequence: frameshift variant.
Genome position (GRCh38, 1-based): chr17:31,337,859, A deleted. VCF-style (leftmost placement, unchanged base first): chr17-31337858-CA-C. GRCh37 (hg19) VCF-style: chr17-29664876-CA-C.
Other names: c.6620del, p.Gln2207fs (NM_000267.4); short protein forms Q2207fs, Q2228fs.
Identifiers: ClinVar variation 4857604 (VCV004857604.1).

ClinVar aggregate classification (germline): Likely pathogenic (1 of 4 stars; one submission).

Conditions:
Neurofibromatosis, type 1 (NF1). Also called: NEUROFIBROMATOSIS, TYPE I, SOMATIC; Peripheral type neurofibromatosis; Neurofibromatosis, type I; VON RECKLINGHAUSEN DISEASE. Identifiers: Orphanet 636, MedGen C0027831, MONDO:0018975, OMIM 162200. Disease mechanism: loss of function.

Submission:

Regional Center For Medical Genetics Timis, Louis Turcanu Emergency Hospital for Children Timisoara
Classification: Likely pathogenic for Neurofibromatosis, type 1. Review status: criteria provided, single submitter. Criteria: ACMG Guidelines, 2015. Collection method: clinical testing. Allele origin: unknown. Affected: yes.
Comment: The variant is absent from the presumed healthy population (gnomAD). The variant introduces a premature stop codon into the sequence, leading to loss of function as a consequence of the reading frame shift. Loss-of-function variants in NF1 are well established as pathogenic. To the best of our knowledge, this variant has not been previously reported in the literature in individuals with neurofibromatosis type 1. Therefore, the variant was classified as likely pathogenic.